The following is an entry in ClinVar:

ClinVar aggregate classification (germline): Conflicting classifications of pathogenicity. Review status: criteria provided, conflicting classifications (1 of 4 stars). 6 submissions from 6 submitters: Uncertain significance (1); Likely benign (5). Last evaluated 2023-06-26.

Conditions:
Familial thoracic aortic aneurysm and aortic dissection (TAAD). Also called: Thoracic aortic aneurysms and dissections. Identifiers: Orphanet 91387, MedGen C4707243, MONDO:0019625.
Diabetic retinopathy. Identifiers: MedGen C0011884, MONDO:0005266.
Loeys-Dietz syndrome 2 (LDS2). Also called: TGFBR2-Related Loeys-Dietz Syndrome; AORTIC ANEURYSM, FAMILIAL THORACIC 3; MARFAN SYNDROME, TYPE II; Marfan syndrome, type 2 (formerly); Marfan Syndrome type 2; Marfan like connective tissue disorder. Identifiers: Orphanet 284973, Orphanet 558, MedGen C2674574, MONDO:0012427, OMIM 610168.

Allele frequency attached by ClinVar (database versions not stated): gnomAD 0.00003; gnomAD exomes below 0.00001; TOPMed below 0.00001.
gnomAD v4.1: 3 of 1,599,888 alleles (0.00019%); highest among the groups gnomAD compares: Non-Finnish European, 0.000085%; no homozygotes.

Submissions (6):

All of Us Research Program, National Institutes of Health
Classification: Uncertain significance for Loeys-Dietz syndrome 2. Last evaluated: 2023-06-26. Review status: criteria provided, single submitter. Criteria: ACMG Guidelines, 2015. Collection method: clinical testing. Allele origin: germline. Inheritance: Autosomal dominant inheritance. Observed: 1 variant allele, 1 heterozygote.
Comment: This variant is located in the TGFBR2 protein. To our knowledge, functional studies have not been reported for this variant. This variant has not been reported in individuals affected with TGFBR2-related disorders in the literature. This variant has been identified in 3/250510 chromosomes in the general population by the Genome Aggregation Database (gnomAD). The available evidence is insufficient to determine the role of this variant in disease conclusively. Therefore, this variant is classified as a Variant of Uncertain Significance.

This study involves interpretation of variants in research participants for the purpose of population health screening. Participant phenotype was not available at the time of variant classification. Additional details can be found in publication PMID: 35346344, PMCID: PMC8962531

Women's Health and Genetics/Laboratory Corporation of America, LabCorp
Classification: Likely benign. Last evaluated: 2021-06-27. Review status: criteria provided, single submitter. Criteria: LabCorp Variant Classification Summary - May 2015. Collection method: clinical testing. Allele origin: germline.

Labcorp Genetics (formerly Invitae), Labcorp
Classification: Likely benign for Familial thoracic aortic aneurysm and aortic dissection. Last evaluated: 2021-04-17. Review status: criteria provided, single submitter. Criteria: Invitae Variant Classification Sherloc (09022015). Collection method: clinical testing. Allele origin: germline.

Blueprint Genetics
Classification: Likely benign. Last evaluated: 2020-05-13. Review status: criteria provided, single submitter. Criteria: ACMG Guidelines, 2015. Collection method: clinical testing. Allele origin: germline.

GeneDx
Classification: Likely benign. Last evaluated: 2015-10-14. Review status: criteria provided, single submitter. Criteria: GeneDx Variant Classification (06012015). Collection method: clinical testing. Allele origin: germline. Affected: yes.
Comment: This variant is considered likely benign or benign based on one or more of the following criteria: it is a conservative change, it occurs at a poorly conserved position in the protein, it is predicted to be benign by multiple in silico algorithms, and/or has population frequency not consistent with disease.

Clinical Genomics, Uppaluri K&H Personalized Medicine Clinic
Classification: Likely benign for Diabetic retinopathy. Review status: criteria provided, single submitter. Criteria: K And H Uppaluri Personalized Medicine Clinic Variant Classification And Assertion Criteria Updated V 2. Collection method: research. Allele origin: unknown.
Comment: Potent mutations in TGFBR2 gene encodes the transforming growth factor that have been associated with angiogenesis and diabetic retinopathy. More clinical studies are needed for stronger association. However, more evidence is required to confer the association of this particular variant rs1057520957 with diabetic retinopathy.

Literature cited by the submitters: PubMed 30222965 (cited by Clinical Genomics, Uppaluri K&H Personalized Medicine Clinic); PubMed 28162229 (cited by Clinical Genomics, Uppaluri K&H Personalized Medicine Clinic); PubMed 34572573 (cited by Clinical Genomics, Uppaluri K&H Personalized Medicine Clinic).

NM_003242.6(TGFBR2):c.81C>T (p.His27=)

Gene: TGFBR2 (transforming growth factor beta receptor 2; plus strand). Cytogenetic location: 3p24.1.
Variant type: single nucleotide variant.
Coding change: c.81C>T on transcript NM_003242.6 (MANE Select); coding-DNA position 81, C replaced by T.
Protein change: p.His27=; no amino-acid change (histidine 27 retained).
Molecular consequence: synonymous variant. On other transcripts: 5 prime UTR variant (4), intron variant (2).
Genome position (GRCh38, 1-based): chr3:30,606,964, C>T. VCF-style: chr3-30606964-C-T. GRCh37 (hg19) VCF-style: chr3-30648456-C-T.
Other names: c.81C>T, p.His27= (NM_001024847.3, NM_001407126.1, NM_001407127.1 and 4 more transcripts); c.-203C>T (NM_001407133.1); c.-81C>T (NM_001407134.1); c.-128C>T (NM_001407135.1); c.-213C>T (NM_001407136.1); c.-12+371C>T (NM_001407129.1, NM_001407132.1).
Identifiers: ClinVar variation 381098 (VCV000381098.14), dbSNP rs1057520957, ClinGen allele CA16604492.